The following is an entry in ClinVar:

ClinVar aggregate classification (germline): Uncertain significance (1 of 4 stars; one submission).

Submission:

Labcorp Genetics (formerly Invitae), Labcorp
Classification: Uncertain significance. Last evaluated: 2025-09-30. Review status: criteria provided, single submitter. Criteria: Invitae Variant Classification Sherloc (09022015). Collection method: clinical testing. Allele origin: germline.
Comment: This sequence change replaces isoleucine, which is neutral and non-polar, with asparagine, which is neutral and polar, at codon 1385 of the C3 protein (p.Ile1385Asn). This variant is present in population databases (rs146172605, gnomAD 0.02%). This variant has not been reported in the literature in individuals affected with C3-related conditions. Invitae Evidence Modeling of protein sequence and biophysical properties (such as structural, functional, and spatial information, amino acid conservation, physicochemical variation, residue mobility, and thermodynamic stability) indicates that this missense variant is not expected to disrupt C3 protein function with a negative predictive value of 80%. In summary, the available evidence is currently insufficient to determine the role of this variant in disease. Therefore, it has been classified as a Variant of Uncertain Significance.

NM_000064.4(C3):c.4154T>A (p.Ile1385Asn)

Gene: C3 (complement C3; minus strand). Cytogenetic location: 19p13.3.
Variant type: single nucleotide variant.
Coding change: c.4154T>A on transcript NM_000064.4 (MANE Select); coding-DNA position 4154, T replaced by A.
Protein change: p.Ile1385Asn; replaces isoleucine 1385 with asparagine.
Molecular consequence: missense variant.
Genome position (GRCh38, 1-based): chr19:6,684,406, A>T on the plus strand (T>A on the coding strand, the complement: C3 is on the minus strand). VCF-style: chr19-6684406-A-T. GRCh37 (hg19) VCF-style: chr19-6684417-A-T.
Other names: short protein forms I1385N.
Identifiers: ClinVar variation 4704404 (VCV004704404.1).